The following is an entry in ClinVar:

ClinVar aggregate classification (germline): Likely benign. Review status: criteria provided, single submitter (1 of 4 stars). 2 submissions from 2 submitters: Likely benign (1). 1 of the submissions does not count toward it. Last evaluated 2025-12-17.

Conditions:
GRIN2D-related disorder. Also called: GRIN2D-related condition.

Allele frequency attached by ClinVar (database versions not stated): gnomAD exomes 0.00003; gnomAD 0.00024 and 0.00029; TOPMed 0.00025.

Submissions (2):

Labcorp Genetics (formerly Invitae), Labcorp
Classification: Likely benign. Last evaluated: 2025-12-17. Review status: criteria provided, single submitter. Criteria: Invitae Variant Classification Sherloc (09022015). Collection method: clinical testing. Allele origin: germline.

PreventionGenetics, part of Exact Sciences
Classification: Likely benign for GRIN2D-related condition. Last evaluated: 2022-05-09. Review status: no assertion criteria provided. Collection method: clinical testing. Allele origin: germline. Not counted in ClinVar's aggregate classification.
Comment: This variant is classified as likely benign based on ACMG/AMP sequence variant interpretation guidelines (Richards et al. 2015 PMID: 25741868, with internal and published modifications).

NM_000836.4(GRIN2D):c.3807G>C (p.Ser1269=)

Gene: GRIN2D (glutamate ionotropic receptor NMDA type subunit 2D; plus strand). Cytogenetic location: 19q13.33.
Variant type: single nucleotide variant.
Coding change: c.3807G>C on transcript NM_000836.4 (MANE Select); coding-DNA position 3807, G replaced by C.
Protein change: p.Ser1269=; no amino-acid change (serine 1269 retained).
Molecular consequence: synonymous variant.
Genome position (GRCh38, 1-based): chr19:48,443,733, G>C. VCF-style: chr19-48443733-G-C. GRCh37 (hg19) VCF-style: chr19-48946990-G-C.
Identifiers: ClinVar variation 765349 (VCV000765349.10), dbSNP rs1015965636, ClinGen allele CA309299537.
Genomic context (GRCh38, chr19:48,443,733, plus strand): 5'-CCACCACAGGCACCGGCGCGCCGCTGGGGGCTGGGACCTCCCGCCGCCCGCGCCCACCTC[G>C]CGCTCGCTCGAGGACCTCAGCTCGTGCCCTCGCGCCGCCCCTGCGCGCAGGCTTACCGGG-3'
Protein context (NP_000827.2, residues 1259-1279): GWDLPPPAPT[Ser1269=]RSLEDLSSCP